The following is an entry in ClinVar:

ClinVar aggregate classification (germline): Uncertain significance (1 of 4 stars; one submission).

Conditions:
Carnitine palmitoyltransferase II deficiency. Also called: Carnitine Palmitoyltransferase 2 Deficiency. Identifiers: Orphanet 157, MedGen C0342790, MONDO:0015515.

Submission:

Labcorp Genetics (formerly Invitae), Labcorp
Classification: Uncertain significance for Carnitine palmitoyltransferase II deficiency. Last evaluated: 2026-01-05. Review status: criteria provided, single submitter. Criteria: Invitae Variant Classification Sherloc (09022015). Collection method: clinical testing. Allele origin: germline.
Comment: This sequence change replaces asparagine, which is neutral and polar, with isoleucine, which is neutral and non-polar, at codon 222 of the CPT2 protein (p.Asn222Ile). This variant is not present in population databases (gnomAD no frequency). This variant has not been reported in the literature in individuals affected with CPT2-related conditions. ClinVar contains an entry for this variant (Variation ID: 3720757). Invitae Evidence Modeling of protein sequence and biophysical properties (such as structural, functional, and spatial information, amino acid conservation, physicochemical variation, residue mobility, and thermodynamic stability) indicates that this missense variant is expected to disrupt CPT2 protein function with a positive predictive value of 95%. In summary, the available evidence is currently insufficient to determine the role of this variant in disease. Therefore, it has been classified as a Variant of Uncertain Significance.

NM_000098.3(CPT2):c.665A>T (p.Asn222Ile)

Gene: CPT2 (carnitine palmitoyltransferase 2; plus strand). Cytogenetic location: 1p32.3.
Variant type: single nucleotide variant.
Coding change: c.665A>T on transcript NM_000098.3 (MANE Select); coding-DNA position 665, A replaced by T.
Protein change: p.Asn222Ile; replaces asparagine 222 with isoleucine.
Molecular consequence: missense variant.
Genome position (GRCh38, 1-based): chr1:53,210,339, A>T. VCF-style: chr1-53210339-A-T. GRCh37 (hg19) VCF-style: chr1-53676011-A-T.
Other names: c.665A>T, p.Asn222Ile (NM_001330589.2); short protein forms N222I.
Identifiers: ClinVar variation 3720757 (VCV003720757.2).